The following is an entry in ClinVar:

NM_000350.3(ABCA4):c.5201del (p.Asn1734fs)

Gene: ABCA4 (ATP binding cassette subfamily A member 4; minus strand). Cytogenetic location: 1p22.1.
Variant type: Deletion.
Coding change: c.5201del on transcript NM_000350.3 (MANE Select); coding-DNA position 5201, one base deleted (A; older notation c.5201delA).
Protein change: p.Asn1734fs; shifts the reading frame from asparagine 1734.
Molecular consequence: frameshift variant.
Genome position (GRCh38, 1-based): chr1:94,015,850, T deleted on the plus strand (A on the coding strand, the reverse complement: ABCA4 is on the minus strand); the first of 2 consecutive T bases (chr1:94,015,850-94,015,851); deleting either gives the same sequence. VCF-style (leftmost placement, unchanged base first): chr1-94015849-AT-A. GRCh37 (hg19) VCF-style: chr1-94481405-AT-A.
Other names: c.4979del, p.Asn1660fs (NM_001425324.1); short protein forms N1660fs, N1734fs.
Identifiers: ClinVar variation 3718571 (VCV003718571.2).

ClinVar aggregate classification (germline): Pathogenic (1 of 4 stars; one submission).

Submission:

Labcorp Genetics (formerly Invitae), Labcorp
Classification: Pathogenic. Last evaluated: 2024-12-13. Review status: criteria provided, single submitter. Criteria: Invitae Variant Classification Sherloc (09022015). Collection method: clinical testing. Allele origin: germline.
Comment: This sequence change creates a premature translational stop signal (p.Asn1734Ilefs*4) in the ABCA4 gene. It is expected to result in an absent or disrupted protein product. Loss-of-function variants in ABCA4 are known to be pathogenic (PMID: 10958761, 24938718, 25312043, 26780318). This variant is not present in population databases (gnomAD no frequency). This premature translational stop signal has been observed in individual(s) with ABCA4-related conditions (PMID: 31106028). For these reasons, this variant has been classified as Pathogenic.

Literature cited by the submitters: PubMed 10958761; PubMed 24938718; PubMed 25312043; PubMed 26780318; PubMed 31106028.